The following is an entry in ClinVar:

NM_032043.3(BRIP1):c.2805G>C (p.Val935=)

Gene: BRIP1 (BRCA1 interacting DNA helicase 1; minus strand). Cytogenetic location: 17q23.2.
Variant type: single nucleotide variant.
Coding change: c.2805G>C on transcript NM_032043.3 (MANE Select); coding-DNA position 2805, G replaced by C.
Protein change: p.Val935=; no amino-acid change (valine 935 retained).
Molecular consequence: synonymous variant.
Genome position (GRCh38, 1-based): chr17:61,685,936, C>G on the plus strand (G>C on the coding strand, the complement: BRIP1 is on the minus strand). VCF-style: chr17-61685936-C-G. GRCh37 (hg19) VCF-style: chr17-59763297-C-G.
Identifiers: ClinVar variation 2939196 (VCV002939196.4), dbSNP rs2144110657, ClinGen allele CA501335670.

ClinVar aggregate classification (germline): Benign/Likely benign. Review status: criteria provided, multiple submitters, no conflicts (2 of 4 stars). 2 submissions from 2 submitters: Benign (1); Likely benign (1). Last evaluated 2024-09-06.

Conditions:
Fanconi anemia complementation group J. Also called: BRIP1-Related Fanconi Anemia. Identifiers: Orphanet 84, MedGen C1836860, MONDO:0012187, OMIM 609054.
Familial cancer of breast. Also called: BREAST CANCER, FAMILIAL; Hereditary breast cancer; hereditary breast carcinoma. Identifiers: Orphanet 227535, MedGen C0346153, MONDO:0016419, OMIM 114480. Disease mechanism: loss of function.

Submissions (2):

Myriad Genetics, Inc.
Classification: Benign for Familial cancer of breast. Last evaluated: 2024-09-06. Review status: criteria provided, single submitter. Criteria: Myriad Autosomal Dominant, Autosomal Recessive and X-Linked Classification Criteria (2023). Collection method: clinical testing. Allele origin: unknown.
Comment: This variant is considered benign. This variant is a silent/synonymous amino acid change and it is not expected to impact splicing.

Labcorp Genetics (formerly Invitae), Labcorp
Classification: Likely benign for Familial cancer of breast; Fanconi anemia complementation group J. Last evaluated: 2024-05-02. Review status: criteria provided, single submitter. Criteria: Invitae Variant Classification Sherloc (09022015). Collection method: clinical testing. Allele origin: germline.